The following is an entry in ClinVar:

ClinVar aggregate classification (germline): Uncertain significance. Review status: criteria provided, multiple submitters, no conflicts (2 of 4 stars). 5 submissions from 5 submitters: Uncertain significance (5). Last evaluated 2026-06-30.

Conditions:
Inborn genetic diseases. Identifiers: MedGen C0950123, MeSH D030342.
Developmental and epileptic encephalopathy, 18 (DEE18). Also called: Early infantile epileptic encephalopathy 18. Identifiers: Orphanet 369894, MedGen C3809624, MONDO:0014201, OMIM 615476.

Allele frequency attached by ClinVar (database versions not stated): gnomAD exomes 0.00002 and 0.00001; TOPMed 0.00002; ExAC 0.00002; gnomAD 0.00001.
gnomAD v4.1: 16 of 1,613,930 alleles (0.00099%); highest among the groups gnomAD compares: Admixed American, 0.01%; no homozygotes.

Submissions (5):

GeneDx
Classification: Uncertain significance. Last evaluated: 2026-06-30. Review status: criteria provided, single submitter. Criteria: GeneDx Variant Classification Process June 2021. Collection method: clinical testing. Allele origin: germline.
Comment: Not observed at significant frequency in large population cohorts (gnomAD); In silico analysis suggests that this missense variant does not alter protein structure/function; Has not been previously published as pathogenic or benign to our knowledge

Labcorp Genetics (formerly Invitae), Labcorp
Classification: Uncertain significance. Last evaluated: 2026-01-13. Review status: criteria provided, single submitter. Criteria: Invitae Variant Classification Sherloc (09022015). Collection method: clinical testing. Allele origin: germline.
Comment: This sequence change replaces arginine, which is basic and polar, with histidine, which is basic and polar, at codon 2685 of the SZT2 protein (p.Arg2685His). This variant is present in population databases (rs763615703, gnomAD 0.009%). This variant has not been reported in the literature in individuals affected with SZT2-related conditions. ClinVar contains an entry for this variant (Variation ID: 1408776). Invitae Evidence Modeling of protein sequence and biophysical properties (such as structural, functional, and spatial information, amino acid conservation, physicochemical variation, residue mobility, and thermodynamic stability) has been performed for this missense variant. However, the output from this modeling did not meet the statistical confidence thresholds required to predict the impact of this variant on SZT2 protein function. In summary, the available evidence is currently insufficient to determine the role of this variant in disease. Therefore, it has been classified as a Variant of Uncertain Significance.

Ambry Genetics
Classification: Uncertain significance for Inborn genetic diseases. Last evaluated: 2024-05-09. Review status: criteria provided, single submitter. Criteria: Ambry Variant Classification Scheme 2023. Collection method: clinical testing. Allele origin: germline.

Genome-Nilou Lab
Classification: Uncertain significance for Developmental and epileptic encephalopathy, 18. Last evaluated: 2023-04-11. Review status: criteria provided, single submitter. Criteria: ACMG Guidelines, 2015. Collection method: clinical testing. Allele origin: germline. Affected: no.

Neuberg Centre For Genomic Medicine, NCGM
Classification: Uncertain significance for Developmental and epileptic encephalopathy, 18. Review status: criteria provided, single submitter. Criteria: ACMG Guidelines, 2015. Collection method: clinical testing. Allele origin: germline. Inheritance: Autosomal recessive inheritance. Affected: yes.
Comment: The observed missense variant c.8225G>A(p.Arg2742His) in SZT2 gene has not been reported previously as a pathogenic variant nor as a benign variant, to our knowledge. The c.8225G>A variant has 0.002% allele frequency in gnomAD Exomes.This variant has been reported to the ClinVar database as Uncertain Significance. However, study on multiple affected individuals and the functional impact of the variant is not available. The variant is predicted to be damaging by SIFT. The amino acid Arginine at position 2742 is changed to a Histidine changing protein sequence and it might alter its composition and physico-chemical properties. The amino acid change p.Arg2742His in SZT2 is predicted as conserved by GERP++ and PhyloP across 100 vertebrates. For these reasons, this variant has been classified as Uncertain Significance.

NM_001365999.1(SZT2):c.8225G>A (p.Arg2742His)

Gene: SZT2 (SZT2 subunit of KICSTOR complex; plus strand). Cytogenetic location: 1p34.2.
Variant type: single nucleotide variant.
Coding change: c.8225G>A on transcript NM_001365999.1 (MANE Select); coding-DNA position 8225, G replaced by A.
Protein change: p.Arg2742His; replaces arginine 2742 with histidine.
Molecular consequence: missense variant.
Genome position (GRCh38, 1-based): chr1:43,442,892, G>A. VCF-style: chr1-43442892-G-A. GRCh37 (hg19) VCF-style: chr1-43908563-G-A.
Other names: c.8054G>A, p.Arg2685His (NM_015284.4); short protein forms R2685H, R2742H.
Identifiers: ClinVar variation 1408776 (VCV001408776.13), dbSNP rs763615703, ClinGen allele CA810489.